The following is an entry in ClinVar:

NM_001369.3(DNAH5):c.10377del (p.Asp3459fs)

Gene: DNAH5 (dynein axonemal heavy chain 5; minus strand). Cytogenetic location: 5p15.2.
Variant type: Deletion.
Coding change: c.10377del on transcript NM_001369.3 (MANE Select); coding-DNA position 10377, one base deleted (C; older notation c.10377delC).
Protein change: p.Asp3459fs; shifts the reading frame from aspartic acid 3459.
Molecular consequence: frameshift variant.
Genome position (GRCh38, 1-based): chr5:13,758,888, G deleted on the plus strand (C on the coding strand, the reverse complement: DNAH5 is on the minus strand). VCF-style (leftmost placement, unchanged base first): chr5-13758887-CG-C. GRCh37 (hg19) VCF-style: chr5-13758996-CG-C.
Other names: short protein forms D3459fs.
Identifiers: ClinVar variation 1075057 (VCV001075057.7), dbSNP rs2126727754, ClinGen allele CA2499217604.

ClinVar aggregate classification (germline): Pathogenic (1 of 4 stars; one submission).

Conditions:
Primary ciliary dyskinesia. Also called: Ciliary dyskinesia. Identifiers: Orphanet 244, MedGen C0008780, MONDO:0016575, HP:0012265.

Allele frequency attached by ClinVar (database versions not stated): gnomAD exomes 0.00001.

Submission:

Labcorp Genetics (formerly Invitae), Labcorp
Classification: Pathogenic for Primary ciliary dyskinesia. Last evaluated: 2022-09-12. Review status: criteria provided, single submitter. Criteria: Invitae Variant Classification Sherloc (09022015). Collection method: clinical testing. Allele origin: germline.
Comment: This sequence change creates a premature translational stop signal (p.Asp3459Glufs*11) in the DNAH5 gene. It is expected to result in an absent or disrupted protein product. Loss-of-function variants in DNAH5 are known to be pathogenic (PMID: 11788826, 16627867). This variant is not present in population databases (gnomAD no frequency). This variant has not been reported in the literature in individuals affected with DNAH5-related conditions. ClinVar contains an entry for this variant (Variation ID: 1075057). For these reasons, this variant has been classified as Pathogenic.

Literature cited by the submitters: PubMed 11788826; PubMed 16627867.